The following is an entry in ClinVar:

ClinVar aggregate classification (germline): Likely benign (1 of 4 stars; one submission).

Conditions:
Central hypoventilation syndrome, congenital, 2, and autonomic dysfunction. Identifiers: MedGen C5561963, MONDO:0030537, OMIM 619482.

gnomAD v4.1: 106 of 1,537,586 alleles (0.0069%); highest among the groups gnomAD compares: Middle Eastern, 0.084%; 1 homozygote.

Submission:

Next Generation Genetic Polyclinic
Classification: Likely benign for Central hypoventilation syndrome, congenital, 2, and autonomic dysfunction. Last evaluated: 2025-12-18. Review status: criteria provided, single submitter. Criteria: ACMG Guidelines, 2015. Collection method: provider interpretation. Allele origin: germline. Inheritance: Autosomal recessive inheritance. Observed: 1 homozygote.

NM_001101421.4(MYO1H):c.1300C>T (p.Gln434Ter)

Gene: MYO1H (myosin IH; plus strand). Cytogenetic location: 12q24.11.
Variant type: single nucleotide variant.
Coding change: c.1300C>T on transcript NM_001101421.4 (MANE Select); coding-DNA position 1300, C replaced by T.
Protein change: p.Gln434Ter; replaces glutamine 434 with a stop codon.
Molecular consequence: nonsense.
Genome position (GRCh38, 1-based): chr12:109,410,039, C>T. VCF-style: chr12-109410039-C-T. GRCh37 (hg19) VCF-style: chr12-109847844-C-T.
Other names: p.Gln434*; short protein forms Q434*.
Identifiers: ClinVar variation 4681180 (VCV004681180.1).